The following is an entry in ClinVar:

NM_021020.5(LZTS1):c.388G>A (p.Val130Met)

Gene: LZTS1 (leucine zipper tumor suppressor 1; minus strand). Cytogenetic location: 8p21.3.
Variant type: single nucleotide variant.
Coding change: c.388G>A on transcript NM_021020.5 (MANE Select); coding-DNA position 388, G replaced by A.
Protein change: p.Val130Met; replaces valine 130 with methionine.
Molecular consequence: missense variant.
Genome position (GRCh38, 1-based): chr8:20,253,543, C>T on the plus strand (G>A on the coding strand, the complement: LZTS1 is on the minus strand). VCF-style: chr8-20253543-C-T. GRCh37 (hg19) VCF-style: chr8-20111054-C-T.
Other names: c.388G>A, p.Val130Met (NM_001362884.2); short protein forms V130M.
Identifiers: ClinVar variation 2793693 (VCV002793693.3), dbSNP rs2486315293, ClinGen allele CA370478371.

ClinVar aggregate classification (germline): Uncertain significance (1 of 4 stars; one submission).

Allele frequency attached by ClinVar (database versions not stated): gnomAD exomes below 0.00001.
gnomAD v4.1: 1 of 1,514,716 alleles (0.000066%); highest among the groups gnomAD compares: Non-Finnish European, 0.000088%; no homozygotes.

Submission:

Labcorp Genetics (formerly Invitae), Labcorp
Classification: Uncertain significance. Last evaluated: 2024-01-25. Review status: criteria provided, single submitter. Criteria: Invitae Variant Classification Sherloc (09022015). Collection method: clinical testing. Allele origin: germline.
Comment: This sequence change replaces valine, which is neutral and non-polar, with methionine, which is neutral and non-polar, at codon 130 of the LZTS1 protein (p.Val130Met). This variant is not present in population databases (gnomAD no frequency). This variant has not been reported in the literature in individuals affected with LZTS1-related conditions. Advanced modeling of protein sequence and biophysical properties (such as structural, functional, and spatial information, amino acid conservation, physicochemical variation, residue mobility, and thermodynamic stability) performed at Invitae indicates that this missense variant is expected to disrupt LZTS1 protein function with a positive predictive value of 80%. In summary, the available evidence is currently insufficient to determine the role of this variant in disease. Therefore, it has been classified as a Variant of Uncertain Significance.